The following is an entry in ClinVar:

ClinVar aggregate classification (germline): Likely pathogenic (1 of 4 stars; one submission).

Conditions:
Coffin-Siris syndrome 6. Identifiers: MedGen C4540499, MONDO:0033492, OMIM 617808.

Submission:

3billion
Classification: Likely pathogenic for Coffin-Siris syndrome 6. Last evaluated: 2022-09-01. Review status: criteria provided, single submitter. Criteria: ACMG Guidelines, 2015. Collection method: clinical testing. Allele origin: germline. Affected: yes. Observed: 1 heterozygote.
Comment: The variant is not observed in the gnomAD v2.1.1 dataset. Stop-gained (nonsense) is predicted to result in a loss or disruption of normal protein function through nonsense-mediated decay (NMD) or protein truncation. Multiple pathogenic variants are reported downstream of the variant. Therefore, this variant is classified as Likely pathogenic according to the recommendation of ACMG/AMP guideline.

NM_152641.4(ARID2):c.3643C>T (p.Gln1215Ter)

Gene: ARID2 (AT-rich interaction domain 2; plus strand). Cytogenetic location: 12q12.
Variant type: single nucleotide variant.
Coding change: c.3643C>T on transcript NM_152641.4 (MANE Select); coding-DNA position 3643, C replaced by T.
Protein change: p.Gln1215Ter; replaces glutamine 1215 with a stop codon.
Molecular consequence: nonsense.
Genome position (GRCh38, 1-based): chr12:45,851,766, C>T. VCF-style: chr12-45851766-C-T. GRCh37 (hg19) VCF-style: chr12-46245549-C-T.
Other names: c.3643C>T, p.Gln1215Ter (NM_001347839.2); short protein forms Q1215*.
Identifiers: ClinVar variation 1705536 (VCV001705536.1), dbSNP rs79730631, ClinGen allele CA384487303.